The following is an entry in ClinVar:

ClinVar aggregate classification (germline): Conflicting classifications of pathogenicity. Review status: criteria provided, conflicting classifications (1 of 4 stars). 2 submissions from 2 submitters: Pathogenic (1); Uncertain significance (1). Last evaluated 2023-01-20.

Conditions:
Acyl-CoA dehydrogenase 9 deficiency. Also called: Acyl-CoA dehydrogenase family, member 9, deficiency of; MITOCHONDRIAL COMPLEX I DEFICIENCY, NUCLEAR TYPE 20. Identifiers: Orphanet 99901, MedGen C4747517, MONDO:0012624, OMIM 611126.

gnomAD v4.1: 3 of 1,614,152 alleles (0.00019%); highest among the groups gnomAD compares: Admixed American, 0.0033%; no homozygotes.

Submissions (2):

Laboratory of Medical Genetics, National & Kapodistrian University of Athens
Classification: Pathogenic for Acyl-CoA dehydrogenase 9 deficiency. Last evaluated: 2023-01-20. Review status: criteria provided, single submitter. Criteria: ACMG Guidelines, 2015. Collection method: clinical testing. Allele origin: paternal. Affected: yes.
Comment: PM2, PM3, PP3

Labcorp Genetics (formerly Invitae), Labcorp
Classification: Uncertain significance. Last evaluated: 2021-12-18. Review status: criteria provided, single submitter. Criteria: Invitae Variant Classification Sherloc (09022015). Collection method: clinical testing. Allele origin: germline.
Comment: This sequence change replaces glutamic acid, which is acidic and polar, with lysine, which is basic and polar, at codon 388 of the ACAD9 protein (p.Glu388Lys). This variant is present in population databases (no rsID available, gnomAD 0.006%). This variant has not been reported in the literature in individuals affected with ACAD9-related conditions. Advanced modeling of protein sequence and biophysical properties (such as structural, functional, and spatial information, amino acid conservation, physicochemical variation, residue mobility, and thermodynamic stability) performed at Invitae indicates that this missense variant is expected to disrupt ACAD9 protein function. In summary, the available evidence is currently insufficient to determine the role of this variant in disease. Therefore, it has been classified as a Variant of Uncertain Significance.

NM_014049.5(ACAD9):c.1162G>A (p.Glu388Lys)

Gene: ACAD9 (acyl-CoA dehydrogenase family member 9; plus strand). Cytogenetic location: 3q21.3.
Variant type: single nucleotide variant.
Coding change: c.1162G>A on transcript NM_014049.5 (MANE Select); coding-DNA position 1162, G replaced by A.
Protein change: p.Glu388Lys; replaces glutamic acid 388 with lysine.
Molecular consequence: missense variant. On other transcripts: non-coding transcript variant (1).
Genome position (GRCh38, 1-based): chr3:128,906,133, G>A. VCF-style: chr3-128906133-G-A. GRCh37 (hg19) VCF-style: chr3-128624976-G-A.
Other names: c.793G>A, p.Glu265Lys (NM_001410805.1); short protein forms E265K, E388K.
Identifiers: ClinVar variation 1915887 (VCV001915887.3), dbSNP rs1462293293, ClinGen allele CA354437039.